The following is an entry in ClinVar:

NM_001963.6(EGF):c.62C>T (p.Ser21Leu)

Gene: EGF (epidermal growth factor; plus strand). Cytogenetic location: 4q25.
Variant type: single nucleotide variant.
Coding change: c.62C>T on transcript NM_001963.6 (MANE Select); coding-DNA position 62, C replaced by T.
Protein change: p.Ser21Leu; replaces serine 21 with leucine.
Molecular consequence: missense variant.
Genome position (GRCh38, 1-based): chr4:109,913,397, C>T. VCF-style: chr4-109913397-C-T. GRCh37 (hg19) VCF-style: chr4-110834553-C-T.
Other names: c.62C>T, p.Ser21Leu (NM_001178130.3, NM_001178131.3, NM_001357021.2); short protein forms S21L.
Identifiers: ClinVar variation 4780376 (VCV004780376.1).

ClinVar aggregate classification (germline): Uncertain significance (1 of 4 stars; one submission).

gnomAD v4.1: 3 of 1,614,000 alleles (0.00019%); highest among the groups gnomAD compares: South Asian, 0.0022%; no homozygotes.

Submission:

Labcorp Genetics (formerly Invitae), Labcorp
Classification: Uncertain significance. Last evaluated: 2025-12-15. Review status: criteria provided, single submitter. Criteria: Invitae Variant Classification Sherloc (09022015). Collection method: clinical testing. Allele origin: germline.
Comment: This sequence change replaces serine, which is neutral and polar, with leucine, which is neutral and non-polar, at codon 21 of the EGF protein (p.Ser21Leu). This variant is present in population databases (rs776036080, gnomAD 0.003%). This variant has not been reported in the literature in individuals affected with EGF-related conditions. An algorithm developed to predict the effect of missense changes on protein structure and function outputs the following: PolyPhen-2: "Benign". The leucine amino acid residue is found in multiple mammalian species, which suggests that this missense change does not adversely affect protein function. In summary, the available evidence is currently insufficient to determine the role of this variant in disease. Therefore, it has been classified as a Variant of Uncertain Significance.